The following is an entry in ClinVar:

NM_014159.7(SETD2):c.3269G>A (p.Ser1090Asn)

Gene: SETD2 (SET domain containing 2, histone lysine methyltransferase; minus strand). Cytogenetic location: 3p21.31.
Variant type: single nucleotide variant.
Coding change: c.3269G>A on transcript NM_014159.7 (MANE Select); coding-DNA position 3269, G replaced by A.
Protein change: p.Ser1090Asn; replaces serine 1090 with asparagine.
Molecular consequence: missense variant. On other transcripts: non-coding transcript variant (1).
Genome position (GRCh38, 1-based): chr3:47,121,367, C>T on the plus strand (G>A on the coding strand, the complement: SETD2 is on the minus strand). VCF-style: chr3-47121367-C-T. GRCh37 (hg19) VCF-style: chr3-47162857-C-T.
Other names: c.3137G>A, p.Ser1046Asn (NM_001349370.3); short protein forms S1046N, S1090N.
Identifiers: ClinVar variation 3608015 (VCV003608015.3).

ClinVar aggregate classification (germline): Uncertain significance. Review status: criteria provided, multiple submitters, no conflicts (2 of 4 stars). 2 submissions from 2 submitters: Uncertain significance (2). Last evaluated 2026-01-22.

Conditions:
Luscan-Lumish syndrome. Identifiers: Orphanet 597738, MedGen C4085873, MONDO:0014791, OMIM 616831.

gnomAD v4.1: 10 of 1,609,646 alleles (0.00062%); highest among the groups gnomAD compares: Admixed American, 0.0033%; no homozygotes.

Submissions (2):

Women's Health and Genetics/Laboratory Corporation of America, LabCorp
Classification: Uncertain significance. Last evaluated: 2026-01-22. Review status: criteria provided, single submitter. Criteria: LabCorp Variant Classification Summary - May 2015. Collection method: clinical testing. Allele origin: germline.
Comment: Variant summary: SETD2 c.3269G>A (p.Ser1090Asn) results in a conservative amino acid change in the encoded protein sequence. Algorithms developed to predict the effect of missense changes on protein structure and function are either unavailable or do not agree on the potential impact of this missense change. The variant allele was found at a frequency of 8.1e-06 in 247322 control chromosomes. The available data on variant occurrences in the general population are insufficient to allow any conclusion about variant significance. To our knowledge, no occurrence of c.3269G>A in individuals affected with SETD2-related conditions and no experimental evidence demonstrating its impact on protein function have been reported. ClinVar contains an entry for this variant (Variation ID: 3608015). Based on the evidence outlined above, the variant was classified as uncertain significance.

Labcorp Genetics (formerly Invitae), Labcorp
Classification: Uncertain significance for Luscan-Lumish syndrome. Last evaluated: 2025-01-07. Review status: criteria provided, single submitter. Criteria: Invitae Variant Classification Sherloc (09022015). Collection method: clinical testing. Allele origin: germline.
Comment: This sequence change replaces serine, which is neutral and polar, with asparagine, which is neutral and polar, at codon 1090 of the SETD2 protein (p.Ser1090Asn). This variant is present in population databases (rs772606528, gnomAD 0.006%). This variant has not been reported in the literature in individuals affected with SETD2-related conditions. Invitae Evidence Modeling of protein sequence and biophysical properties (such as structural, functional, and spatial information, amino acid conservation, physicochemical variation, residue mobility, and thermodynamic stability) indicates that this missense variant is not expected to disrupt SETD2 protein function with a negative predictive value of 80%. In summary, the available evidence is currently insufficient to determine the role of this variant in disease. Therefore, it has been classified as a Variant of Uncertain Significance.